The following is an entry in ClinVar:

NM_001366385.1(CARD14):c.796C>T (p.Arg266Cys)

Gene: CARD14 (caspase recruitment domain family member 14; plus strand). Cytogenetic location: 17q25.3.
Variant type: single nucleotide variant.
Coding change: c.796C>T on transcript NM_001366385.1 (MANE Select); coding-DNA position 796, C replaced by T.
Protein change: p.Arg266Cys; replaces arginine 266 with cysteine.
Molecular consequence: missense variant. On other transcripts: non-coding transcript variant (1).
Genome position (GRCh38, 1-based): chr17:80,188,497, C>T. VCF-style: chr17-80188497-C-T. GRCh37 (hg19) VCF-style: chr17-78162296-C-T.
Other names: c.796C>T, p.Arg266Cys (NM_024110.4, NM_001257970.1); c.796C>T (NM_024110.3); c.85C>T, p.Arg29Cys (NM_052819.3); short protein forms R266C, R29C.
Identifiers: ClinVar variation 728894 (VCV000728894.18), dbSNP rs138616955, ClinGen allele CA8816521.

ClinVar aggregate classification (germline): Conflicting classifications of pathogenicity. Review status: criteria provided, conflicting classifications (1 of 4 stars). 6 submissions from 6 submitters: Uncertain significance (3); Benign (1); Likely benign (2). Last evaluated 2026-02-01.

Conditions:
Pityriasis rubra pilaris (PRP). Also called: Pityriasis rubra pilaris--familial type. Identifiers: Orphanet 2897, MedGen C0032027, MONDO:0100017, OMIM 173200, MONDO:0008251.
Psoriasis 2. Identifiers: MedGen C1864497, MONDO:0011269, OMIM 602723.
Autoinflammatory syndrome. Identifiers: Orphanet 93665, MedGen C3890737, MONDO:0019751.
Inborn genetic diseases. Identifiers: MedGen C0950123, MeSH D030342.

Allele frequency attached by ClinVar (database versions not stated): gnomAD exomes 0.00012 and 0.00036; ExAC 0.00040; 1000 Genomes Project 0.00100; gnomAD 0.00119 and 0.00128; TOPMed 0.00130; ESP Exome Variant Server 0.00131; 1000 Genomes Project 30x 0.00141.
gnomAD v4.1: 372 of 1,566,738 alleles (0.024%); highest among the groups gnomAD compares: African/African-American, 0.41%; no homozygotes.

Submissions (6):

Labcorp Genetics (formerly Invitae), Labcorp
Classification: Benign for Pityriasis rubra pilaris; Psoriasis 2. Last evaluated: 2026-02-01. Review status: criteria provided, single submitter. Criteria: Invitae Variant Classification Sherloc (09022015). Collection method: clinical testing. Allele origin: germline.

Women's Health and Genetics/Laboratory Corporation of America, LabCorp
Classification: Likely benign. Last evaluated: 2026-01-22. Review status: criteria provided, single submitter. Criteria: LabCorp Variant Classification Summary - May 2015. Collection method: clinical testing. Allele origin: germline.

Ambry Genetics
Classification: Uncertain significance for Inborn genetic diseases. Last evaluated: 2025-02-18. Review status: criteria provided, single submitter. Criteria: Ambry Variant Classification Scheme 2023. Collection method: clinical testing. Allele origin: germline.

Blueprint Genetics
Classification: Likely benign. Last evaluated: 2024-03-01. Review status: criteria provided, single submitter. Criteria: ACMG Guidelines, 2015. Collection method: clinical testing. Allele origin: germline.

GeneDx
Classification: Uncertain significance. Last evaluated: 2022-09-20. Review status: criteria provided, single submitter. Criteria: GeneDx Variant Classification Process June 2021. Collection method: clinical testing. Allele origin: germline. Affected: yes.
Comment: Has not been previously published as pathogenic or benign to our knowledge; In silico analysis supports that this missense variant has a deleterious effect on protein structure/function

Genome Diagnostics Laboratory, The Hospital for Sick Children
Classification: Uncertain significance for Autoinflammatory syndrome. Last evaluated: 2019-12-01. Review status: criteria provided, single submitter. Criteria: ACMG Guidelines, 2015. Collection method: clinical testing. Allele origin: germline. Affected: yes.